The following is an entry in ClinVar:

ClinVar aggregate classification (germline): Likely benign (0 of 4 stars; one submission).

Conditions:
CBS-related disorder. Also called: CBS-related condition.

Submission:

PreventionGenetics, part of Exact Sciences
Classification: Likely benign for CBS-related condition. Last evaluated: 2022-09-29. Review status: no assertion criteria provided. Collection method: clinical testing. Allele origin: germline.
Comment: This variant is classified as likely benign based on ACMG/AMP sequence variant interpretation guidelines (Richards et al. 2015 PMID: 25741868, with internal and published modifications).

NM_000071.3(CBS):c.1224-78C>T

Gene: CBS (cystathionine beta-synthase; minus strand). Cytogenetic location: 21q22.3.
Variant type: single nucleotide variant.
Coding change: c.1224-78C>T on transcript NM_000071.3 (MANE Select); 78 bases into the intron before coding-DNA position 1224, C replaced by T.
Molecular consequence: intron variant.
Genome position (GRCh38, 1-based): chr21:43,059,046, G>A on the plus strand (C>T on the coding strand, the complement: CBS is on the minus strand). VCF-style: chr21-43059046-G-A. GRCh37 (hg19) VCF-style: chr21-44479156-G-A.
Other names: c.1224-78C>T (NM_001320298.2, NM_001178009.3, NM_001178008.3); c.909-78C>T (NM_001321072.1).
Identifiers: ClinVar variation 3029765 (VCV003029765.2), dbSNP rs956539567, ClinGen allele CA321688296.